The following is an entry in ClinVar:

NM_006302.3(MOGS):c.737C>T (p.Pro246Leu)

Gene: MOGS (mannosyl-oligosaccharide glucosidase; minus strand). Cytogenetic location: 2p13.1.
Variant type: single nucleotide variant.
Coding change: c.737C>T on transcript NM_006302.3 (MANE Select); coding-DNA position 737, C replaced by T.
Protein change: p.Pro246Leu; replaces proline 246 with leucine.
Molecular consequence: missense variant.
Genome position (GRCh38, 1-based): chr2:74,463,229, G>A on the plus strand (C>T on the coding strand, the complement: MOGS is on the minus strand). VCF-style: chr2-74463229-G-A. GRCh37 (hg19) VCF-style: chr2-74690356-G-A.
Other names: c.419C>T, p.Pro140Leu (NM_001146158.2); short protein forms P140L, P246L.
Identifiers: ClinVar variation 1003045 (VCV001003045.9), dbSNP rs1671978796, ClinGen allele CA347379593.

ClinVar aggregate classification (germline): Uncertain significance (1 of 4 stars; one submission).

Conditions:
MOGS-congenital disorder of glycosylation. Also called: GLUCOSIDASE I DEFICIENCY; MOGS-CDG; CDG 2B; CDG IIb. Identifiers: Orphanet 79330, MedGen C1853736, MONDO:0011629, OMIM 606056.

Allele frequency attached by ClinVar (database versions not stated): gnomAD exomes below 0.00001.
gnomAD v4.1: 1 of 1,614,140 alleles (0.000062%); highest among the groups gnomAD compares: Admixed American, 0.0017%; no homozygotes.

Submission:

Labcorp Genetics (formerly Invitae), Labcorp
Classification: Uncertain significance for MOGS-congenital disorder of glycosylation. Last evaluated: 2020-05-13. Review status: criteria provided, single submitter. Criteria: Invitae Variant Classification Sherloc (09022015). Collection method: clinical testing. Allele origin: germline.
Comment: In summary, the available evidence is currently insufficient to determine the role of this variant in disease. Therefore, it has been classified as a Variant of Uncertain Significance. Algorithms developed to predict the effect of missense changes on protein structure and function (SIFT, PolyPhen-2, Align-GVGD) all suggest that this variant is likely to be tolerated, but these predictions have not been confirmed by published functional studies and their clinical significance is uncertain. This variant has not been reported in the literature in individuals with MOGS-related conditions. This variant is not present in population databases (ExAC no frequency). This sequence change replaces proline with leucine at codon 246 of the MOGS protein (p.Pro246Leu). The proline residue is moderately conserved and there is a moderate physicochemical difference between proline and leucine.